The following is an entry in ClinVar:

ClinVar aggregate classification (germline): Conflicting classifications of pathogenicity. Review status: criteria provided, conflicting classifications (1 of 4 stars). 2 submissions from 2 submitters: Uncertain significance (1); Likely benign (1). Last evaluated 2024-07-31.

Conditions:
Mendelian susceptibility to mycobacterial diseases due to complete IL12RB1 deficiency. Also called: IL12RB1 DEFICIENCY; Immunodeficiency 30. Identifiers: Orphanet 319552, MedGen C4013949, MONDO:0013955, OMIM 614891.
Inborn genetic diseases. Identifiers: MedGen C0950123, MeSH D030342.

Allele frequency attached by ClinVar (database versions not stated): gnomAD 0.00004 and 0.00003; gnomAD exomes 0.00004; TOPMed 0.00004; ExAC 0.00005.
gnomAD v4.1: 62 of 1,613,136 alleles (0.0038%); highest among the groups gnomAD compares: Middle Eastern, 0.016%; no homozygotes.

Submissions (2):

Ambry Genetics
Classification: Likely benign for Inborn genetic diseases. Last evaluated: 2024-07-31. Review status: criteria provided, single submitter. Criteria: Ambry Variant Classification Scheme 2023. Collection method: clinical testing. Allele origin: germline.

Labcorp Genetics (formerly Invitae), Labcorp
Classification: Uncertain significance for Mendelian susceptibility to mycobacterial diseases due to complete IL12RB1 deficiency. Last evaluated: 2022-02-25. Review status: criteria provided, single submitter. Criteria: Invitae Variant Classification Sherloc (09022015). Collection method: clinical testing. Allele origin: germline.
Comment: This sequence change replaces arginine, which is basic and polar, with glutamine, which is neutral and polar, at codon 361 of the IL12RB1 protein (p.Arg361Gln). This variant is present in population databases (rs774168858, gnomAD 0.01%). This variant has not been reported in the literature in individuals affected with IL12RB1-related conditions. ClinVar contains an entry for this variant (Variation ID: 999068). Algorithms developed to predict the effect of missense changes on protein structure and function output the following: SIFT: "Tolerated"; PolyPhen-2: "Benign"; Align-GVGD: "Class C0". The glutamine amino acid residue is found in multiple mammalian species, which suggests that this missense change does not adversely affect protein function. In summary, the available evidence is currently insufficient to determine the role of this variant in disease. Therefore, it has been classified as a Variant of Uncertain Significance.

NM_005535.3(IL12RB1):c.1082G>A (p.Arg361Gln)

Gene: IL12RB1 (interleukin 12 receptor subunit beta 1; minus strand). Cytogenetic location: 19p13.11.
Variant type: single nucleotide variant.
Coding change: c.1082G>A on transcript NM_005535.3 (MANE Select); coding-DNA position 1082, G replaced by A.
Protein change: p.Arg361Gln; replaces arginine 361 with glutamine.
Molecular consequence: missense variant.
Genome position (GRCh38, 1-based): chr19:18,069,653, C>T on the plus strand (G>A on the coding strand, the complement: IL12RB1 is on the minus strand). VCF-style: chr19-18069653-C-T. GRCh37 (hg19) VCF-style: chr19-18180463-C-T.
Other names: c.1082G>A, p.Arg361Gln (NM_001290023.2); c.1202G>A, p.Arg401Gln (NM_001290024.2); short protein forms R361Q, R401Q.
Identifiers: ClinVar variation 999068 (VCV000999068.7), dbSNP rs774168858, ClinGen allele CA9304964.
Genomic context (GRCh38, chr19:18,069,653, plus strand): 5'-GCAAGGCCCCCGTCCTGGCCCACAGGCTGCCATTCAATGCAATACGTCATGCTCTGAGCC[C>T]GGGCTGGCCAATACATGGTGGTCCCGTTGGTTCCGACGCTGATATTCAGAGCCACTGGTT-3'
Protein context (NP_005526.1, residues 351-371): TNGTTMYWPA[Arg361Gln]AQSMTYCIEW